The following is an entry in ClinVar:

NM_030777.4(SLC2A10):c.368T>C (p.Val123Ala)

Gene: SLC2A10 (solute carrier family 2 member 10; plus strand). Cytogenetic location: 20q13.12.
Variant type: single nucleotide variant.
Coding change: c.368T>C on transcript NM_030777.4 (MANE Select); coding-DNA position 368, T replaced by C.
Protein change: p.Val123Ala; replaces valine 123 with alanine.
Molecular consequence: missense variant.
Genome position (GRCh38, 1-based): chr20:46,725,404, T>C. VCF-style: chr20-46725404-T-C. GRCh37 (hg19) VCF-style: chr20-45354043-T-C.
Other names: short protein forms V123A.
Identifiers: ClinVar variation 1023345 (VCV001023345.11), dbSNP rs1309491576, ClinGen allele CA409266879.
Genomic context (GRCh38, chr20:46,725,404, plus strand): 5'-TGGGCCGCGCTGTGGTTGGCTTCGCCATTTCCCTCTCCTCCATGGCTTGCTGTATCTACG[T>C]GTCAGAGCTGGTGGGGCCACGGCAGCGGGGAGTGCTGGTGTCCCTCTATGAGGCAGGCAT-3'
Protein context (NP_110404.1, residues 113-133): SLSSMACCIY[Val123Ala]SELVGPRQRG

ClinVar aggregate classification (germline): Uncertain significance (1 of 4 stars; one submission).

Conditions:
Arterial tortuosity syndrome (ATORS). Identifiers: Orphanet 3342, MedGen C1859726, MONDO:0008818, OMIM 208050.

Allele frequency attached by ClinVar (database versions not stated): gnomAD exomes below 0.00001 and 0.00001.
gnomAD v4.1: 4 of 1,614,150 alleles (0.00025%); highest among the groups gnomAD compares: Admixed American, 0.0033%; no homozygotes.

Submission:

Labcorp Genetics (formerly Invitae), Labcorp
Classification: Uncertain significance for Arterial tortuosity syndrome. Last evaluated: 2020-04-30. Review status: criteria provided, single submitter. Criteria: Invitae Variant Classification Sherloc (09022015). Collection method: clinical testing. Allele origin: germline.
Comment: In summary, the available evidence is currently insufficient to determine the role of this variant in disease. Therefore, it has been classified as a Variant of Uncertain Significance. Algorithms developed to predict the effect of missense changes on protein structure and function are either unavailable or do not agree on the potential impact of this missense change (SIFT: "Deleterious"; PolyPhen-2: "Benign"; Align-GVGD: "Class C55"). This variant has not been reported in the literature in individuals with SLC2A10-related conditions. This variant is not present in population databases (ExAC no frequency). This sequence change replaces valine with alanine at codon 123 of the SLC2A10 protein (p.Val123Ala). The valine residue is highly conserved and there is a small physicochemical difference between valine and alanine.